The following is an entry in ClinVar:

NM_000238.4(KCNH2):c.707_708del (p.Gly236fs)

Gene: KCNH2 (potassium voltage-gated channel subfamily H member 2; minus strand). Cytogenetic location: 7q36.1.
Variant type: Deletion.
Coding change: c.707_708del on transcript NM_000238.4 (MANE Select); coding-DNA positions 707 to 708, 2 bases deleted (GT; older notation c.707_708delGT).
Protein change: p.Gly236fs; shifts the reading frame from glycine 236.
Molecular consequence: frameshift variant.
Genome position (GRCh38, 1-based): chr7:150,958,267-150,958,268, AC deleted on the plus strand (GT on the coding strand, the reverse complement: KCNH2 is on the minus strand). VCF-style (leftmost placement, unchanged base first): chr7-150958266-GAC-G. GRCh37 (hg19) VCF-style: chr7-150655354-GAC-G.
Other names: c.707_708delGT, p.Gly236Alafs (NM_000238.3, NM_172056.3); c.419_420delGT, p.Gly140Alafs (NM_001406753.1, NM_001406756.1); c.530_531delGT, p.Gly177Alafs (NM_001406755.1); c.407_408delGT, p.Gly136Alafs (NM_001406757.1); short protein forms G236fs.
Identifiers: ClinVar variation 955885 (VCV000955885.8), dbSNP rs1801449253, ClinGen allele CA1139660322.
Genomic context (GRCh38, chr7:150,958,266, plus strand): 5'-TGAGGCTGTGCGCCCGGGGCGATGGGAGCTGGCCGGGCGCGCTGCGGGGCGGAGAGCCGG[GAC>G]CCACCAGCGCACGCCGCTCCTCCGCGGGCCCGAGCCCTGCCACGTGGTTGTCCATGGCTG-3'

ClinVar aggregate classification (germline): Pathogenic (1 of 4 stars; one submission).

Conditions:
Long QT syndrome (LQTS). Identifiers: MedGen C0023976, MeSH D008133, MONDO:0002442. Disease mechanism: loss of function. Inheritance: Various modes of inheritance.

Submission:

Labcorp Genetics (formerly Invitae), Labcorp
Classification: Pathogenic for Long QT syndrome. Last evaluated: 2019-10-24. Review status: criteria provided, single submitter. Criteria: Invitae Variant Classification Sherloc (09022015). Collection method: clinical testing. Allele origin: germline.
Comment: For these reasons, this variant has been classified as Pathogenic. Loss-of-function variants in KCNH2 are known to be pathogenic (PMID: 10973849, 19862833). This variant has not been reported in the literature in individuals with KCNH2-related conditions. The frequency data for this variant in the population databases is considered unreliable, as metrics indicate insufficient coverage at this position in the ExAC database. This sequence change creates a premature translational stop signal (p.Gly236Alafs*95) in the KCNH2 gene. It is expected to result in an absent or disrupted protein product.

Literature cited by the submitters: PubMed 10973849; PubMed 19862833.